The following is an entry in ClinVar:

NM_000157.4(GBA1):c.535G>C (p.Asp179His)

Genes: GBA1 (glucosylceramidase beta 1; minus strand), LOC106627981 (GBA recombination region; plus strand). Cytogenetic location: 1q22.
Variant type: single nucleotide variant.
Coding change: c.535G>C on transcript NM_000157.4 (MANE Select); coding-DNA position 535, G replaced by C.
Protein change: p.Asp179His; replaces aspartic acid 179 with histidine.
Molecular consequence: missense variant.
Genome position (GRCh38, 1-based): chr1:155,238,570, C>G on the plus strand (G>C on the coding strand, the complement: GBA1 is on the minus strand). VCF-style: chr1-155238570-C-G. GRCh37 (hg19) VCF-style: chr1-155208361-C-G.
Other names: D140H; c.535G>C (NM_000157.3); c.535G>C, p.Asp179His (NM_001005741.3, NM_001005742.3); c.274G>C, p.Asp92His (NM_001171811.2); c.388G>C, p.Asp130His (NM_001171812.2); short protein forms D179H, D130H, D92H.
Identifiers: ClinVar variation 242811 (VCV000242811.54), dbSNP rs147138516, ClinGen allele CA028499.

ClinVar aggregate classification (germline): Conflicting classifications of pathogenicity. Review status: criteria provided, conflicting classifications (1 of 4 stars). 8 submissions from 8 submitters: Likely pathogenic (1); Uncertain significance (7). Last evaluated 2026-04-01.

Conditions:
Gaucher disease perinatal lethal. Also called: Gaucher disease collodion type; Gaucher Disease, Perinatal-Lethal Form. Identifiers: Orphanet 85212, MedGen C1842704, MONDO:0011945, OMIM 608013.
Gaucher disease. Also called: Acute cerebral Gaucher disease; Cerebroside lipidosis syndrome; Gaucher splenomegaly; Sphingolipidosis 1; Glucocerebrosidosis; Glucosylceramidase deficiency. Identifiers: Orphanet 355, MedGen C0017205, MONDO:0018150.

Allele frequency attached by ClinVar (database versions not stated): ExAC 0.00006; ESP Exome Variant Server 0.00015; TOPMed 0.00009; gnomAD exomes 0.00013; gnomAD 0.00016.
gnomAD v4.1: 206 of 1,613,390 alleles (0.013%); highest among the groups gnomAD compares: Non-Finnish European, 0.017%; 2 homozygotes.

Submissions 1 to 7 of 8:

CeGaT Center for Human Genetics Tuebingen
Classification: Likely pathogenic. Last evaluated: 2026-04-01. Review status: criteria provided, single submitter. Criteria: CeGaT Center For Human Genetics Tuebingen Variant Classification Criteria Version 2. Collection method: clinical testing. Allele origin: germline. Affected: yes. Observed: 2 variant alleles.
Comment: GBA1: PS4, PM2, PS3:Supporting

Mayo Clinic Laboratories, Mayo Clinic
Classification: Uncertain significance. Last evaluated: 2025-10-17. Review status: criteria provided, single submitter. Criteria: ACMG Guidelines, 2015. Collection method: clinical testing. Allele origin: germline. Observed: 1 variant allele.
Comment: PP3

GeneDx
Classification: Uncertain significance. Last evaluated: 2023-11-28. Review status: criteria provided, single submitter. Criteria: GeneDx Variant Classification Process June 2021. Collection method: clinical testing. Allele origin: germline. Affected: yes.
Comment: Identified in siblings with low beta-glucocerebrosidase activity and discordant phenotypes; these siblings were also compound heterozygous for another variant in GBA. The authors attribute the difference in GBA activity and phenotype to a heterozygous variant in SCARB2, a beta-glucocerebrosidase transporter, identified only in the severely affected sibling. More evidence is needed to evaluate the pathogenicity of D179H (PMID: 21796727, 22623374); Identified in the heterozygous state in patients with Lewy body dementia and with Parkinson disease with dementia; however, D179H was also identified in the heterozygous state in control individuals used in some of these studies (PMID: 32618053, 27717005, 23588557, 29948939, 31809948); In silico analysis supports that this missense variant does not alter protein structure/function; Also known as p.D140H; This variant is associated with the following publications: (PMID: 18160322, 30777654, 31809948, 1864608, 23588557, 27717005, 29948939, 27397011, 22623374, 34308104, 32618053, 32191290, 36598340, 21796727)

Blueprint Genetics
Classification: Uncertain significance. Last evaluated: 2023-08-29. Review status: criteria provided, single submitter. Criteria: ACMG Guidelines, 2015. Collection method: clinical testing. Allele origin: germline.

Victorian Clinical Genetics Services, Murdoch Childrens Research Institute
Classification: Uncertain significance for Gaucher disease perinatal lethal. Last evaluated: 2023-07-17. Review status: criteria provided, single submitter. Criteria: ACMG Guidelines, 2015. Collection method: clinical testing. Allele origin: germline. Inheritance: Autosomal recessive inheritance. Affected: no.
Comment: Based on the classification scheme VCGS_Germline_v1.3.4, this variant is classified as VUS-3B. Following criteria are met: 0102 - Loss of function is a known mechanism of disease in this gene and is associated with Gaucher disease (MIM# 230800, 230900, 231000, 231005, 608013). (I) 0106 - This gene is associated with autosomal recessive disease. The different types of Gaucher disease are considered to fall within a spectrum, rather than distinct conditions, and are determined by age of disease onset and the presence and severity of neurologic function. Specific counseling about individual case prognosis is hindered by a significant overlap in the clinical features of individuals with various genotypes (OMIM, PMID: 20301446). (I) 0115 - Variants in this gene are known to have variable expressivity. Gaucher disease is associated with marked clinical variability, even within the same family (PMID: 31010158). (I) 0200 - Variant is predicted to result in a missense amino acid change from aspartic acid to histidine. (I) 0251 - This variant is heterozygous. (I) 0304 - Variant is present in gnomAD (v2 and v3) <0.01 for a recessive condition (56 heterozygotes, 1 homozygote). (SP) 0309 - An alternative amino acid change at the same position has been observed in gnomAD (v2) (1 heterozygote, 0 homozygotes). (I) 0502 - Missense variant with conflicting in silico predictions and uninformative conservation. (I) 0600 - Variant is located in the annotated glycosol hydrolase family 20 TIM-barrel domain (DECIPHER). (I) 0705 - No comparable missense variants have previous evidence for pathogenicity. (I) 0809 - Previous evidence of pathogenicity for this variant is inconclusive. This variant has been classified as a VUS by several clinical laboratories in ClinVar, and has been observed as part of a complex allele with p.(Glu365Lys) in one family with Gaucher disease where it was observed to be compound heterozygous (PMID: 1864608). This complex allele has also been described as a risk allele for parkinsons disease (PMID: 36598340). (I) 0903 - This variant has limited evidence for segregation with disease. This variant as part of a complex allele with p.(Glu365Lys) was observed as compound heterozygous in two brothers with Gaucher disease. Other unaffected families members were either only heterozygous for one of the alleles or were not a carrier of either (PMID: 1864608). (SP) 1002 - This variant has moderate functional evidence supporting abnormal protein function. This variant has been shown to only reduce b-glucosidase activity to 50% by itself, but in a complex allele with p.(Glu365Lys) it reduced enzyme activity to only 20% of normal activity (PMID: 10079102). (I) Legend: (SP) - Supporting pathogenic, (I) - Information, (SB) - Supporting benign

Women's Health and Genetics/Laboratory Corporation of America, LabCorp
Classification: Uncertain significance. Last evaluated: 2023-04-10. Review status: criteria provided, single submitter. Criteria: LabCorp Variant Classification Summary - May 2015. Collection method: clinical testing. Allele origin: germline.
Comment: Variant summary: GBA c.535G>C (p.Asp179His) results in a non-conservative amino acid change located in the Glycosyl hydrolase family 30, TIM-barrel domain of the encoded protein sequence. Three of five in-silico tools predict a benign effect of the variant on protein function. The variant allele was found at a frequency of 0.00016 in 260904 control chromosomes in the gnomAD database, including 1 homozygotes. This frequency is not significantly higher than estimated for a pathogenic variant in GBA causing Gaucher Disease (0.00016 vs 0.005), allowing no conclusion about variant significance. The variant was reported in the literature in a haplotype with c.1093G>A (p.Glu365Lys) in compound heterozygosity with c.586A>C (p.Lys196Gln) in two brothers diagnosed with Type I Gaucher disease (GD) and subsequently reported in another study with an overlapping cohort (Example, Eyal_1991, Park_2003). These data indicate that the variant may be associated with Gaucher Disease. In functional studies, the c.535G>C variant alone was shown to result in a mild reduction of enzyme activity (approximately 50-74% residual activity), while the presence of the complex allele c.535G>C + c.1093G>A resulted in significantly decreased activity compared to either individual allele (20-25% residual activity; Grace_1999, Ron_2005). The c.535G>C variant and c.535G>C + c.1093G>A complex allele have also been reported as single alleles or as non-informative genotypes (second allele not specified) in patients with Parkinson's Disease (PD) and dementia, and it has been suggested that monoallelic variants in GBA may be risk factors for PD, but a pathogenic contribution of this variant towards these associations have not been conclusively determined (Example, Lesage_2011, Meeus_2012, Tsuang_2012, Nalls_2013, Crosiers_2016, Liu_2016, Mata_2016, Blauwendraat_2017, Moors_2019, Geut_2019, den Heijer_2020, Oliveira_2021). Three clinical diagnostic laboratories have submitted clinical-significance assessments for this variant to ClinVar after 2014 and all classified the variant as uncertain significance. Based on the evidence outlined above, the variant was classified as uncertain significance.

Revvity Omics, Revvity
Classification: Uncertain significance. Last evaluated: 2020-05-23. Review status: criteria provided, single submitter. Criteria: ACMG Guidelines, 2015. Collection method: clinical testing. Allele origin: germline.